The following is an entry in ClinVar:

ClinVar aggregate classification (germline): Uncertain significance. Review status: criteria provided, multiple submitters, no conflicts (2 of 4 stars). 2 submissions from 2 submitters: Uncertain significance (2). Last evaluated 2023-06-14.

Allele frequency attached by ClinVar (database versions not stated): ExAC 0.00002; gnomAD 0.00002; TOPMed 0.00002; gnomAD exomes 0.00004.
gnomAD v4.1: 63 of 1,578,640 alleles (0.004%); highest among the groups gnomAD compares: Non-Finnish European, 0.0052%; no homozygotes.

Submissions (2):

Labcorp Genetics (formerly Invitae), Labcorp
Classification: Uncertain significance. Last evaluated: 2023-06-14. Review status: criteria provided, single submitter. Criteria: Invitae Variant Classification Sherloc (09022015). Collection method: clinical testing. Allele origin: germline.
Comment: This variant is present in population databases (rs754174010, gnomAD 0.002%). This sequence change replaces threonine, which is neutral and polar, with isoleucine, which is neutral and non-polar, at codon 1473 of the NIN protein (p.Thr1473Ile). This variant has not been reported in the literature in individuals affected with NIN-related conditions. In summary, the available evidence is currently insufficient to determine the role of this variant in disease. Therefore, it has been classified as a Variant of Uncertain Significance. An algorithm developed to predict the effect of missense changes on protein structure and function (PolyPhen-2) suggests that this variant is likely to be tolerated. ClinVar contains an entry for this variant (Variation ID: 1991727).

Ambry Genetics
Classification: Uncertain significance. Last evaluated: 2023-02-16. Review status: criteria provided, single submitter. Criteria: Ambry Variant Classification Scheme 2023. Collection method: clinical testing. Allele origin: germline.

NM_020921.4(NIN):c.4418C>T (p.Thr1473Ile)

Gene: NIN (ninein; minus strand). Cytogenetic location: 14q22.1.
Variant type: single nucleotide variant.
Coding change: c.4418C>T on transcript NM_020921.4 (MANE Select); coding-DNA position 4418, C replaced by T.
Protein change: p.Thr1473Ile; replaces threonine 1473 with isoleucine.
Molecular consequence: missense variant. On other transcripts: intron variant (1).
Genome position (GRCh38, 1-based): chr14:50,756,612, G>A on the plus strand (C>T on the coding strand, the complement: NIN is on the minus strand). VCF-style: chr14-50756612-G-A. GRCh37 (hg19) VCF-style: chr14-51223330-G-A.
Other names: c.4418C>T (NM_020921.3); c.4418C>T, p.Thr1473Ile (NM_182944.3, NM_182946.2); c.2400-1745C>T (NM_016350.5); short protein forms T1473I.
Identifiers: ClinVar variation 1991727 (VCV001991727.6), dbSNP rs754174010, ClinGen allele CA7181606.